The following is an entry in ClinVar:

ClinVar aggregate classification (germline): Uncertain significance. Review status: criteria provided, multiple submitters, no conflicts (2 of 4 stars). 2 submissions from 2 submitters: Uncertain significance (2). Last evaluated 2021-08-06.

Conditions:
Hereditary cancer-predisposing syndrome. Also called: Neoplastic Syndromes, Hereditary; Tumor predisposition; Hereditary neoplastic syndrome; Hereditary Cancer Syndrome. Identifiers: Orphanet 140162, MedGen C0027672, MeSH D009386, MONDO:0015356.
Haddad syndrome (OHD). Also called: Ondine-Hirschsprung disease. Identifiers: Orphanet 99803, MedGen C1859049, MONDO:0020493.

Allele frequency attached by ClinVar (database versions not stated): TOPMed below 0.00001.
gnomAD v4.1: 2 of 1,402,062 alleles (0.00014%); highest among the groups gnomAD compares: Admixed American, 0.006%; no homozygotes.

Submissions (2):

Labcorp Genetics (formerly Invitae), Labcorp
Classification: Uncertain significance for Haddad syndrome. Last evaluated: 2021-08-06. Review status: criteria provided, single submitter. Criteria: Invitae Variant Classification Sherloc (09022015). Collection method: clinical testing. Allele origin: germline.
Comment: The frequency data for this variant in the population databases is considered unreliable, as metrics indicate insufficient coverage at this position in the ExAC database. This sequence change replaces proline with threonine at codon 229 of the PHOX2B protein (p.Pro229Thr). The proline residue is moderately conserved and there is a small physicochemical difference between proline and threonine. This variant has not been reported in the literature in individuals affected with PHOX2B-related conditions. In summary, the available evidence is currently insufficient to determine the role of this variant in disease. Therefore, it has been classified as a Variant of Uncertain Significance. Algorithms developed to predict the effect of missense changes on protein structure and function are either unavailable or do not agree on the potential impact of this missense change (SIFT: "Tolerated"; PolyPhen-2: "Not Available"; Align-GVGD: "Class C0").

Ambry Genetics
Classification: Uncertain significance for Hereditary cancer-predisposing syndrome. Last evaluated: 2020-08-31. Review status: criteria provided, single submitter. Criteria: Ambry Variant Classification Scheme 2023. Collection method: clinical testing. Allele origin: germline.
Comment: The p.P229T variant (also known as c.685C>A), located in coding exon 3 of the PHOX2B gene, results from a C to A substitution at nucleotide position 685. The proline at codon 229 is replaced by threonine, an amino acid with highly similar properties. This amino acid position is not well conserved in available vertebrate species. In addition, this alteration is predicted to be tolerated by in silico analysis. This missense alteration is located in a region that has a low rate of benign missense variation (Lek M et al. Nature. 2016 Aug 18;536(7616):285-91; DECIPHER: Database of Chromosomal Imbalance and Phenotype in Humans using Ensembl Resources. Firth H.V. et al. 2009. Am.J.Hum.Genet. 84, 524-533 (DOI)). Since supporting evidence is limited at this time, the clinical significance of this alteration remains unclear.

NM_003924.4(PHOX2B):c.685C>A (p.Pro229Thr)

Gene: PHOX2B (paired like homeobox 2B; minus strand). Cytogenetic location: 4p13.
Variant type: single nucleotide variant.
Coding change: c.685C>A on transcript NM_003924.4 (MANE Select); coding-DNA position 685, C replaced by A.
Protein change: p.Pro229Thr; replaces proline 229 with threonine.
Molecular consequence: missense variant.
Genome position (GRCh38, 1-based): chr4:41,746,067, G>T on the plus strand (C>A on the coding strand, the complement: PHOX2B is on the minus strand). VCF-style: chr4-41746067-G-T. GRCh37 (hg19) VCF-style: chr4-41748084-G-T.
Other names: short protein forms P229T.
Identifiers: ClinVar variation 1365488 (VCV001365488.8), dbSNP rs1328080249, ClinGen allele CA356737401.